The following is an entry in ClinVar:

NM_000400.4(ERCC2):c.59A>C (p.Glu20Ala)

Gene: ERCC2 (ERCC excision repair 2, TFIIH core complex helicase subunit; minus strand). Cytogenetic location: 19q13.32.
Variant type: single nucleotide variant.
Coding change: c.59A>C on transcript NM_000400.4 (MANE Select); coding-DNA position 59, A replaced by C.
Protein change: p.Glu20Ala; replaces glutamic acid 20 with alanine.
Molecular consequence: missense variant. On other transcripts: 5 prime UTR variant (1).
Genome position (GRCh38, 1-based): chr19:45,370,179, T>G on the plus strand (A>C on the coding strand, the complement: ERCC2 is on the minus strand). VCF-style: chr19-45370179-T-G. GRCh37 (hg19) VCF-style: chr19-45873437-T-G.
Other names: c.-14A>C (NM_001130867.2); short protein forms E20A.
Identifiers: ClinVar variation 3509852 (VCV003509852.1).

ClinVar aggregate classification (germline): Uncertain significance (1 of 4 stars; one submission).

Conditions:
Inborn genetic diseases. Identifiers: MedGen C0950123, MeSH D030342.

Submission:

Ambry Genetics
Classification: Uncertain significance for Inborn genetic diseases. Last evaluated: 2024-08-24. Review status: criteria provided, single submitter. Criteria: Ambry Variant Classification Scheme 2023. Collection method: clinical testing. Allele origin: germline.
Comment: The p.E20A variant (also known as c.59A>C), located in coding exon 2 of the ERCC2 gene, results from an A to C substitution at nucleotide position 59. The glutamic acid at codon 20 is replaced by alanine, an amino acid with dissimilar properties. This amino acid position is conserved. In addition, the in silico prediction for this alteration is inconclusive. Based on the available evidence, the clinical significance of this variant remains unclear.